The following is an entry in ClinVar:

NM_145649.5(GCNT2):c.1025A>G (p.Tyr342Cys)

Gene: GCNT2 (glucosaminyl (N-acetyl) transferase 2 (I blood group); plus strand). Cytogenetic location: 6p24.2.
Variant type: single nucleotide variant.
Coding change: c.1025A>G on transcript NM_145649.5 (MANE Select); coding-DNA position 1025, A replaced by G.
Protein change: p.Tyr342Cys; replaces tyrosine 342 with cysteine.
Molecular consequence: missense variant.
Genome position (GRCh38, 1-based): chr6:10,626,423, A>G. VCF-style: chr6-10626423-A-G. GRCh37 (hg19) VCF-style: chr6-10626656-A-G.
Other names: c.1025A>G, p.Tyr342Cys (NM_001374747.1, NM_145655.4); c.1019A>G, p.Tyr340Cys (NM_001491.3); short protein forms Y342C, Y340C.
Identifiers: ClinVar variation 191204 (VCV000191204.4), dbSNP rs786205577, ClinGen allele CA236248.

ClinVar aggregate classification (germline): Conflicting classifications of pathogenicity. Review status: criteria provided, conflicting classifications (1 of 4 stars). 3 submissions from 2 submitters: Pathogenic (1); Uncertain significance (1). 1 of the submissions does not count toward it. Last evaluated 2024-03-17.

Conditions:
GCNT2-related disorders.
Cataract 13 with adult I phenotype. Identifiers: Orphanet 91492, MedGen C3805373, MONDO:0007289, OMIM 116700.

Allele frequency attached by ClinVar (database versions not stated): gnomAD exomes 0.00001; TOPMed 0.00002; gnomAD 0.00001.
gnomAD v4.1: 17 of 1,609,292 alleles (0.0011%); highest among the groups gnomAD compares: African/African-American, 0.0013%; no homozygotes.

Submissions (3):

Genomic Medicine Center of Excellence, King Faisal Specialist Hospital and Research Centre
Classification: Uncertain significance for Cataract 13 with adult I phenotype. Last evaluated: 2024-03-17. Review status: criteria provided, single submitter. Criteria: ACMG Guidelines, 2015. Collection method: research. Allele origin: germline.

Blueprint Genetics
Classification: Pathogenic for GCNT2-related disorders. Last evaluated: 2020-09-29. Review status: criteria provided, single submitter. Criteria: ACMG Guidelines, 2015. Collection method: clinical testing. Allele origin: germline. Affected: yes. Observed: 1 variant allele.

Genomic Medicine Center of Excellence, King Faisal Specialist Hospital and Research Centre
Classification: Likely pathogenic. Review status: flagged submission. Criteria: ACMG Guidelines, 2015. Collection method: research. Allele origin: germline. Affected: yes. Not counted in ClinVar's aggregate classification.
ClinVar note: Reason: This record appears to be redundant with a more recent record from the same submitter.
ClinVar note: Notes: SCV000221588 appears to be redundant with SCV004805119.